The following is an entry in ClinVar:

ClinVar aggregate classification (germline): Uncertain significance (1 of 4 stars; one submission).

Conditions:
ANKRD1-related dilated cardiomyopathy. Identifiers: MedGen CN119551.

Allele frequency attached by ClinVar (database versions not stated): gnomAD exomes below 0.00001.
gnomAD v4.1: 2 of 1,613,890 alleles (0.00012%); highest among the groups gnomAD compares: South Asian, 0.0022%; no homozygotes.

Submission:

Labcorp Genetics (formerly Invitae), Labcorp
Classification: Uncertain significance for ANKRD1-related dilated cardiomyopathy. Last evaluated: 2021-11-20. Review status: criteria provided, single submitter. Criteria: Invitae Variant Classification Sherloc (09022015). Collection method: clinical testing. Allele origin: germline.
Comment: In summary, the available evidence is currently insufficient to determine the role of this variant in disease. Therefore, it has been classified as a Variant of Uncertain Significance. Algorithms developed to predict the effect of missense changes on protein structure and function (SIFT, PolyPhen-2, Align-GVGD) all suggest that this variant is likely to be disruptive. This variant has not been reported in the literature in individuals affected with ANKRD1-related conditions. This variant is not present in population databases (gnomAD no frequency). This sequence change replaces tryptophan, which is neutral and slightly polar, with cysteine, which is neutral and slightly polar, at codon 192 of the ANKRD1 protein (p.Trp192Cys).

NM_014391.3(ANKRD1):c.576G>C (p.Trp192Cys)

Gene: ANKRD1 (ankyrin repeat domain 1; minus strand). Cytogenetic location: 10q23.31.
Variant type: single nucleotide variant.
Coding change: c.576G>C on transcript NM_014391.3 (MANE Select); coding-DNA position 576, G replaced by C.
Protein change: p.Trp192Cys; replaces tryptophan 192 with cysteine.
Molecular consequence: missense variant.
Genome position (GRCh38, 1-based): chr10:90,916,246, C>G on the plus strand (G>C on the coding strand, the complement: ANKRD1 is on the minus strand). VCF-style: chr10-90916246-C-G. GRCh37 (hg19) VCF-style: chr10-92676003-C-G.
Other names: short protein forms W192C.
Identifiers: ClinVar variation 1469228 (VCV001469228.6), dbSNP rs2120266485, ClinGen allele CA377550884.